The following is an entry in ClinVar:

NM_182493.3(MYLK3):c.506G>A (p.Gly169Glu)

Gene: MYLK3 (myosin light chain kinase 3; minus strand). Cytogenetic location: 16q11.2.
Variant type: single nucleotide variant.
Coding change: c.506G>A on transcript NM_182493.3 (MANE Select); coding-DNA position 506, G replaced by A.
Protein change: p.Gly169Glu; replaces glycine 169 with glutamic acid.
Molecular consequence: missense variant. On other transcripts: 5 prime UTR variant (1).
Genome position (GRCh38, 1-based): chr16:46,740,119, C>T on the plus strand (G>A on the coding strand, the complement: MYLK3 is on the minus strand). VCF-style: chr16-46740119-C-T. GRCh37 (hg19) VCF-style: chr16-46774031-C-T.
Other names: c.-85G>A (NM_001308301.1); short protein forms G169E.
Identifiers: ClinVar variation 1361774 (VCV001361774.6), dbSNP rs989672091, ClinGen allele CA280237416.

ClinVar aggregate classification (germline): Uncertain significance (1 of 4 stars; one submission).

Allele frequency attached by ClinVar (database versions not stated): gnomAD exomes below 0.00001.

Submission:

Labcorp Genetics (formerly Invitae), Labcorp
Classification: Uncertain significance. Last evaluated: 2024-06-25. Review status: criteria provided, single submitter. Criteria: Invitae Variant Classification Sherloc (09022015). Collection method: clinical testing. Allele origin: germline.
Comment: This sequence change replaces glycine, which is neutral and non-polar, with glutamic acid, which is acidic and polar, at codon 169 of the MYLK3 protein (p.Gly169Glu). This variant is present in population databases (no rsID available, gnomAD no frequency). This variant has not been reported in the literature in individuals affected with MYLK3-related conditions. ClinVar contains an entry for this variant (Variation ID: 1361774). An algorithm developed to predict the effect of missense changes on protein structure and function (PolyPhen-2) suggests that this variant is likely to be tolerated. In summary, the available evidence is currently insufficient to determine the role of this variant in disease. Therefore, it has been classified as a Variant of Uncertain Significance.